The following is an entry in ClinVar:

ClinVar aggregate classification (germline): Uncertain significance (1 of 4 stars; one submission).

Submission:

GeneDx
Classification: Uncertain significance. Last evaluated: 2024-01-11. Review status: criteria provided, single submitter. Criteria: GeneDx Variant Classification Process June 2021. Collection method: clinical testing. Allele origin: germline. Affected: yes.
Comment: Not observed at significant frequency in large population cohorts (gnomAD); In silico analysis supports that this missense variant does not alter protein structure/function; Has not been previously published as pathogenic or benign to our knowledge

NM_001923.5(DDB1):c.3331A>C (p.Asn1111His)

Genes: DDB1 (damage specific DNA binding protein 1; minus strand), LOC126861224 (MED14-independent group 3 enhancer GRCh37_chr11:61067594-61068793; plus strand). Cytogenetic location: 11q12.2.
Variant type: single nucleotide variant.
Coding change: c.3331A>C on transcript NM_001923.5 (MANE Select); coding-DNA position 3331, A replaced by C.
Protein change: p.Asn1111His; replaces asparagine 1111 with histidine.
Molecular consequence: missense variant.
Genome position (GRCh38, 1-based): chr11:61,300,817, T>G on the plus strand (A>C on the coding strand, the complement: DDB1 is on the minus strand). VCF-style: chr11-61300817-T-G. GRCh37 (hg19) VCF-style: chr11-61068289-T-G.
Other names: short protein forms N1111H.
Identifiers: ClinVar variation 3367907 (VCV003367907.1).
Genomic context (GRCh38, chr11:61,300,817, plus strand): 5'-CCCAACCTGCAGTGGACTTGTCTGGCCCAGGGTTAAACACCACACAGCTCACCTGTAGGT[T>G]TGCCACCACCTCCTGCATCTTGGGGCGGCTAATATCCAGGAAACTCTCAATCAAGTCACC-3'
Protein context (NP_001914.3, residues 1101-1121): SRPKMQEVVA[Asn1111His]LQYDDGSGMK